The following is an entry in ClinVar:

NM_138927.4(SON):c.5280T>C (p.Asp1760=)

Gene: SON (SON DNA and RNA binding protein; plus strand). Cytogenetic location: 21q22.11.
Variant type: single nucleotide variant.
Coding change: c.5280T>C on transcript NM_138927.4 (MANE Select); coding-DNA position 5280, T replaced by C.
Protein change: p.Asp1760=; no amino-acid change (aspartic acid 1760 retained).
Molecular consequence: synonymous variant. On other transcripts: non-coding transcript variant (1), intron variant (1).
Genome position (GRCh38, 1-based): chr21:33,554,511, T>C. VCF-style: chr21-33554511-T-C. GRCh37 (hg19) VCF-style: chr21-34926817-T-C.
Other names: c.5280T>C (NM_138927.2); c.5280T>C, p.Asp1760= (NM_001291411.2, NM_032195.3); c.245-2645T>C (NM_001291412.3).
Identifiers: ClinVar variation 724439 (VCV000724439.35), dbSNP rs77137462, ClinGen allele CA10009701.

ClinVar aggregate classification (germline): Benign/Likely benign. Review status: criteria provided, multiple submitters, no conflicts (2 of 4 stars). 3 submissions from 3 submitters: Benign (1); Likely benign (1). 1 of the submissions does not count toward it. Last evaluated 2026-04-01.

Conditions:
SON-related disorder. Also called: SON-related condition.

Allele frequency attached by ClinVar (database versions not stated): gnomAD exomes 0.00026 and 0.00074; ExAC 0.00093; gnomAD 0.00257 and 0.00278; 1000 Genomes Project 0.00280; TOPMed 0.00313; 1000 Genomes Project 30x 0.00344; ESP Exome Variant Server 0.00384.
gnomAD v4.1: 790 of 1,614,130 alleles (0.049%); highest among the groups gnomAD compares: African/African-American, 0.94%; 3 homozygotes.

Submissions (3):

CeGaT Center for Human Genetics Tuebingen
Classification: Likely benign. Last evaluated: 2026-04-01. Review status: criteria provided, single submitter. Criteria: CeGaT Center For Human Genetics Tuebingen Variant Classification Criteria Version 2. Collection method: clinical testing. Allele origin: germline. Affected: yes. Observed: 2 variant alleles.
Comment: SON: BP4, BP7

Labcorp Genetics (formerly Invitae), Labcorp
Classification: Benign. Last evaluated: 2026-01-19. Review status: criteria provided, single submitter. Criteria: Invitae Variant Classification Sherloc (09022015). Collection method: clinical testing. Allele origin: germline.

PreventionGenetics, part of Exact Sciences
Classification: Benign for SON-related condition. Last evaluated: 2019-03-07. Review status: no assertion criteria provided. Collection method: clinical testing. Allele origin: germline. Not counted in ClinVar's aggregate classification.
Comment: This variant is classified as benign based on ACMG/AMP sequence variant interpretation guidelines (Richards et al. 2015 PMID: 25741868, with internal and published modifications).